The following is an entry in ClinVar:

ClinVar aggregate classification (germline): Likely benign (0 of 4 stars; one submission).

Conditions:
ZBTB42-related disorder. Also called: ZBTB42-related condition.

Allele frequency attached by ClinVar (database versions not stated): TOPMed below 0.00001; gnomAD 0.00001; gnomAD exomes 0.00001.

Submission:

PreventionGenetics, part of Exact Sciences
Classification: Likely benign for ZBTB42-related condition. Last evaluated: 2019-03-30. Review status: no assertion criteria provided. Collection method: clinical testing. Allele origin: germline.
Comment: This variant is classified as likely benign based on ACMG/AMP sequence variant interpretation guidelines (Richards et al. 2015 PMID: 25741868, with internal and published modifications).

NM_001137601.3(ZBTB42):c.333C>A (p.Val111=)

Gene: ZBTB42 (zinc finger and BTB domain containing 42; plus strand). Cytogenetic location: 14q32.33.
Variant type: single nucleotide variant.
Coding change: c.333C>A on transcript NM_001137601.3 (MANE Select); coding-DNA position 333, C replaced by A.
Protein change: p.Val111=; no amino-acid change (valine 111 retained).
Molecular consequence: synonymous variant.
Genome position (GRCh38, 1-based): chr14:104,801,530, C>A. VCF-style: chr14-104801530-C-A. GRCh37 (hg19) VCF-style: chr14-105267867-C-A.
Other names: c.333C>A, p.Val111= (NM_001370342.1).
Identifiers: ClinVar variation 3047052 (VCV003047052.2), dbSNP rs1338552080, ClinGen allele CA488717554.